The following is an entry in ClinVar:

ClinVar aggregate classification (germline): Uncertain significance (1 of 4 stars; one submission).

Allele frequency attached by ClinVar (database versions not stated): gnomAD exomes 0.00001; TOPMed 0.00001.
gnomAD v4.1: 9 of 1,210,470 alleles (0.00074%); highest among the groups gnomAD compares: Non-Finnish European, 0.00089%; no homozygotes.

Submission:

Athena Diagnostics
Classification: Uncertain significance. Last evaluated: 2023-03-13. Review status: criteria provided, single submitter. Criteria: Athena Diagnostics Criteria. Collection method: clinical testing. Allele origin: unknown.
Comment: Available data are insufficient to determine the clinical significance of the variant at this time. This variant has not been reported in large, multi-ethnic general populations. Computational tools yielded predictions that this variant is unlikely to have an effect on normal RNA splicing.

NM_001278116.2(L1CAM):c.2739C>T (p.Thr913=)

Gene: L1CAM (L1 cell adhesion molecule; minus strand). Cytogenetic location: Xq28.
Variant type: single nucleotide variant.
Coding change: c.2739C>T on transcript NM_001278116.2 (MANE Select); coding-DNA position 2739, C replaced by T.
Protein change: p.Thr913=; no amino-acid change (threonine 913 retained).
Molecular consequence: synonymous variant.
Genome position (GRCh38, 1-based): chrX:153,865,309, G>A on the plus strand (C>T on the coding strand, the complement: L1CAM is on the minus strand). VCF-style: chrX-153865309-G-A. GRCh37 (hg19) VCF-style: chrX-153130764-G-A.
Other names: c.2739C>T, p.Thr913= (NM_000425.5, NM_024003.3); c.2724C>T, p.Thr908= (NM_001143963.2).
Identifiers: ClinVar variation 2684259 (VCV002684259.1), dbSNP rs1603274249, ClinGen allele CA519343501.